The following is an entry in ClinVar:

NM_006648.4(WNK2):c.1507G>A (p.Glu503Lys)

Gene: WNK2 (WNK lysine deficient protein kinase 2; plus strand). Cytogenetic location: 9q22.31.
Variant type: single nucleotide variant.
Coding change: c.1507G>A on transcript NM_006648.4 (MANE Select); coding-DNA position 1507, G replaced by A.
Protein change: p.Glu503Lys; replaces glutamic acid 503 with lysine.
Molecular consequence: missense variant.
Genome position (GRCh38, 1-based): chr9:93,239,941, G>A. VCF-style: chr9-93239941-G-A. GRCh37 (hg19) VCF-style: chr9-96002223-G-A.
Other names: c.1507G>A, p.Glu503Lys (NM_001282394.3); short protein forms E503K.
Identifiers: ClinVar variation 4866659 (VCV004866659.1).

ClinVar aggregate classification (germline): Uncertain significance (1 of 4 stars; one submission).

Submission:

Ambry Genetics
Classification: Uncertain significance. Last evaluated: 2026-05-14. Review status: criteria provided, single submitter. Criteria: Ambry Variant Classification Scheme 2023. Collection method: clinical testing. Allele origin: germline.
Comment: The p.E503K variant (also known as c.1507G>A), located in coding exon 6 of the WNK2 gene, results from a G to A substitution at nucleotide position 1507. The glutamic acid at codon 503 is replaced by lysine, an amino acid with similar properties. This amino acid position is conserved. In addition, this alteration is predicted to be tolerated by in silico analysis. Based on the available evidence, the clinical significance of this variant remains unclear.